The following is an entry in ClinVar:

NM_206933.4(USH2A):c.921C>T (p.Ser307=)

Gene: USH2A (usherin; minus strand). Cytogenetic location: 1q41.
Variant type: single nucleotide variant.
Coding change: c.921C>T on transcript NM_206933.4 (MANE Select); coding-DNA position 921, C replaced by T.
Protein change: p.Ser307=; no amino-acid change (serine 307 retained).
Molecular consequence: synonymous variant.
Genome position (GRCh38, 1-based): chr1:216,325,527, G>A on the plus strand (C>T on the coding strand, the complement: USH2A is on the minus strand). VCF-style: chr1-216325527-G-A. GRCh37 (hg19) VCF-style: chr1-216498869-G-A.
Other names: c.921C>T, p.Ser307= (NM_007123.6); c.921C>T (NM_206933.2).
Identifiers: ClinVar variation 1124648 (VCV001124648.11), dbSNP rs750137819, ClinGen allele CA1396644.
Genomic context (GRCh38, chr1:216,325,527, plus strand): 5'-TGTGTCTCCTGCATCATTAGGAATGCAGTACCGCTGTGCCAAAGGGTGGACCCGCGGGTG[G>A]CTGCCAGGGCAACGGCAATGTGATTGGGCATGCAATCTGAGAAGATCTCCAGAGAAGACT-3'
Protein context (NP_996816.3, residues 297-317): HAQSHCRCPG[Ser307=]HPRVHPLAQR

ClinVar aggregate classification (germline): Likely benign. Review status: criteria provided, multiple submitters, no conflicts (2 of 4 stars). 3 submissions from 3 submitters: Likely benign (3). Last evaluated 2026-02-08.

Conditions:
USH2A-related disorder. Also called: USH2A-related condition; USH2A-related disorders. Identifiers: MedGen CN239332.

Allele frequency attached by ClinVar (database versions not stated): gnomAD 0.00016 and 0.00019; gnomAD exomes 0.00001 and 0.00002; ExAC 0.00002.
gnomAD v4.1: 41 of 1,613,482 alleles (0.0025%); highest among the groups gnomAD compares: African/African-American, 0.047%; no homozygotes.

Submissions (3):

PreventionGenetics, part of Exact Sciences
Classification: Likely benign for USH2A-related condition. Last evaluated: 2026-02-08. Review status: criteria provided, single submitter. Criteria: ACMG Guidelines, 2015. Collection method: clinical testing. Allele origin: germline.
Comment: This variant is classified as likely benign based on ACMG/AMP sequence variant interpretation guidelines (Richards et al. 2015 PMID: 25741868, with internal and published modifications).

Labcorp Genetics (formerly Invitae), Labcorp
Classification: Likely benign. Last evaluated: 2025-10-03. Review status: criteria provided, single submitter. Criteria: Invitae Variant Classification Sherloc (09022015). Collection method: clinical testing. Allele origin: germline.

Blueprint Genetics
Classification: Likely benign. Last evaluated: 2023-11-13. Review status: criteria provided, single submitter. Criteria: ACMG Guidelines, 2015. Collection method: clinical testing. Allele origin: germline.